The following is an entry in ClinVar:

ClinVar aggregate classification (germline): Uncertain significance. Review status: criteria provided, multiple submitters, no conflicts (2 of 4 stars). 2 submissions from 2 submitters: Uncertain significance (2). Last evaluated 2025-08-10.

Conditions:
Inborn genetic diseases. Identifiers: MedGen C0950123, MeSH D030342.
RFT1-congenital disorder of glycosylation (CDG1N). Also called: Congenital disorder of glycosylation type In; RFT1-CDG; CDG In. Identifiers: Orphanet 244310, MedGen C2677590, MONDO:0012783, OMIM 612015.

Allele frequency attached by ClinVar (database versions not stated): gnomAD 0.00001; ExAC 0.00002; gnomAD exomes 0.00002 and 0.00003.
gnomAD v4.1: 42 of 1,613,918 alleles (0.0026%); highest among the groups gnomAD compares: South Asian, 0.037%; no homozygotes.

Submissions (2):

Ambry Genetics
Classification: Uncertain significance for Inborn genetic diseases. Last evaluated: 2025-08-10. Review status: criteria provided, single submitter. Criteria: Ambry Variant Classification Scheme 2023. Collection method: clinical testing. Allele origin: germline.

Labcorp Genetics (formerly Invitae), Labcorp
Classification: Uncertain significance for RFT1-congenital disorder of glycosylation. Last evaluated: 2021-09-24. Review status: criteria provided, single submitter. Criteria: Invitae Variant Classification Sherloc (09022015). Collection method: clinical testing. Allele origin: germline.
Comment: This sequence change replaces methionine with threonine at codon 396 of the RFT1 protein (p.Met396Thr). The methionine residue is highly conserved and there is a moderate physicochemical difference between methionine and threonine. This variant is present in population databases (rs759448727, ExAC 0.01%). This variant has not been reported in the literature in individuals affected with RFT1-related conditions. Algorithms developed to predict the effect of missense changes on protein structure and function are either unavailable or do not agree on the potential impact of this missense change (SIFT: "Tolerated"; PolyPhen-2: "Probably Damaging"; Align-GVGD: "Class C0"). In summary, the available evidence is currently insufficient to determine the role of this variant in disease. Therefore, it has been classified as a Variant of Uncertain Significance.

NM_052859.4(RFT1):c.1187T>C (p.Met396Thr)

Gene: RFT1 (RFT1 glycolipid translocator homolog; minus strand). Cytogenetic location: 3p21.1.
Variant type: single nucleotide variant.
Coding change: c.1187T>C on transcript NM_052859.4 (MANE Select); coding-DNA position 1187, T replaced by C.
Protein change: p.Met396Thr; replaces methionine 396 with threonine.
Molecular consequence: missense variant.
Genome position (GRCh38, 1-based): chr3:53,099,402, A>G on the plus strand (T>C on the coding strand, the complement: RFT1 is on the minus strand). VCF-style: chr3-53099402-A-G. GRCh37 (hg19) VCF-style: chr3-53133418-A-G.
Other names: c.1187T>C (NM_052859.3); short protein forms M396T.
Identifiers: ClinVar variation 1381329 (VCV001381329.4), dbSNP rs759448727, ClinGen allele CA2451219.